The following is an entry in ClinVar:

NM_000552.5(VWF):c.5469_5474del (p.Pro1824_Ile1825del)

Gene: VWF (von Willebrand factor; minus strand). Cytogenetic location: 12p13.31.
Variant type: Deletion.
Coding change: c.5469_5474del on transcript NM_000552.5 (MANE Select); coding-DNA positions 5469 to 5474, 6 bases deleted (CCCTAT; older notation c.5469_5474delCCCTAT).
Protein change: p.Pro1824_Ile1825del.
Molecular consequence: inframe deletion.
Genome position (GRCh38, 1-based): chr12:6,013,627-6,013,632, ATAGGG deleted on the plus strand (CCCTAT on the coding strand, the reverse complement: VWF is on the minus strand); deleting any 6 consecutive bases within chr12:6,013,627-6,013,633 gives the same sequence; the c. name uses the placement nearest the transcript's 3' end. VCF-style (leftmost placement, unchanged base first): chr12-6013626-AATAGGG-A. GRCh37 (hg19) VCF-style: chr12-6122792-AATAGGG-A.
Other names: c.5469_5474del (NM_000552.3).
Identifiers: ClinVar variation 2682120 (VCV002682120.4), dbSNP rs1477546504, ClinGen allele CA603483058.

ClinVar aggregate classification (germline): Uncertain significance. Review status: criteria provided, multiple submitters, no conflicts (2 of 4 stars). 2 submissions from 2 submitters: Uncertain significance (2). Last evaluated 2025-04-25.

Submissions (2):

GeneDx
Classification: Uncertain significance. Last evaluated: 2025-04-25. Review status: criteria provided, single submitter. Criteria: GeneDx Variant Classification Process June 2021. Collection method: clinical testing. Allele origin: germline.
Comment: In silico analysis indicates that this variant does not alter protein structure/function; Has not been previously published as pathogenic or benign to our knowledge; In-frame deletion of 2 amino acids in a non-repeat region

Quest Diagnostics Nichols Institute San Juan Capistrano
Classification: Uncertain significance. Last evaluated: 2024-04-11. Review status: criteria provided, single submitter. Criteria: Quest Diagnostics criteria. Collection method: clinical testing. Allele origin: unknown.
Comment: The VWF c.5469_5474del (p.Pro1824_Ile1825del) variant has not been reported in individuals with VWF-related conditions in the published literature. The frequency of this variant in the general population, 0.000032 (1/31394 chromosomes (Genome Aggregation Database)), is uninformative in the assessment of its pathogenicity. Based on the available information, we are unable to determine the clinical significance of this variant.